The following is an entry in ClinVar:

NM_000455.5(STK11):c.464G>A (p.Gly155Glu)

Gene: STK11 (serine/threonine kinase 11; plus strand). Cytogenetic location: 19p13.3.
Variant type: single nucleotide variant.
Coding change: c.464G>A on transcript NM_000455.5 (MANE Select); coding-DNA position 464, G replaced by A.
Protein change: p.Gly155Glu; replaces glycine 155 with glutamic acid.
Molecular consequence: missense variant.
Genome position (GRCh38, 1-based): chr19:1,219,413, G>A. VCF-style: chr19-1219413-G-A. GRCh37 (hg19) VCF-style: chr19-1219412-G-A.
Other names: short protein forms G155E.
Identifiers: ClinVar variation 492532 (VCV000492532.24), dbSNP rs1555737830, ClinGen allele CA402948399.

ClinVar aggregate classification (germline): Conflicting classifications of pathogenicity. Review status: criteria provided, conflicting classifications (1 of 4 stars). 7 submissions from 7 submitters: Uncertain significance (6); Likely benign (1). Last evaluated 2025-11-21.

Conditions:
Hereditary cancer-predisposing syndrome. Also called: Tumor predisposition; Hereditary Cancer Syndrome; Neoplastic Syndromes, Hereditary; Hereditary neoplastic syndrome. Identifiers: Orphanet 140162, MedGen C0027672, MeSH D009386, MONDO:0015356.
Peutz-Jeghers syndrome (PJS). Also called: POLYPOSIS, HAMARTOMATOUS INTESTINAL; POLYPS-AND-SPOTS SYNDROME; Peutz-Jeghers polyposis; Periorificial lentiginosis syndrome. Identifiers: Orphanet 2869, MedGen C0031269, MeSH D010580, MONDO:0008280, OMIM 175200.

Submissions (7):

Ambry Genetics
Classification: Uncertain significance for Hereditary cancer-predisposing syndrome. Last evaluated: 2025-11-21. Review status: criteria provided, single submitter. Criteria: Ambry Variant Classification Scheme 2023. Collection method: clinical testing. Allele origin: germline.
Comment: The p.G155E variant (also known as c.464G>A), located in coding exon 3 of the STK11 gene, results from a G to A substitution at nucleotide position 464. The amino acid change results in glycine to glutamic acid at codon 155, an amino acid with similar properties. This alteration was classified as likely benign by one study that evaluated multiple lines of evidence, including population data, functional evidence, in silico prediction models, segregation with disease and clinical phenotype including tumor characteristics (Tsai GJ et al. Genet Med, 2019 06;21:1435-1442). This amino acid position is highly conserved in available vertebrate species. In addition, the in silico prediction for this alteration is inconclusive. Based on the available evidence, the clinical significance of this variant remains unclear.

Quest Diagnostics Nichols Institute San Juan Capistrano
Classification: Uncertain significance. Last evaluated: 2024-10-27. Review status: criteria provided, single submitter. Criteria: Quest Diagnostics criteria. Collection method: clinical testing. Allele origin: unknown.
Comment: The STK11 c.464G>A (p.Gly155Glu) variant has been reported in the published literature in two family members that reportedly show no symptoms of Peutz-Jegher syndrome (PJS) (PMID: 30374176 (2019)). This variant has not been reported in large, multi-ethnic general populations (Genome Aggregation Database). Analysis of this variant using software algorithms for the prediction of the effect of nucleotide changes on splicing yielded predictions that this variant may affect proper STK11 mRNA splicing. Based on the available information, we are unable to determine the clinical significance of this variant.

Blueprint Genetics
Classification: Uncertain significance. Last evaluated: 2024-09-16. Review status: criteria provided, single submitter. Criteria: ACMG Guidelines, 2015. Collection method: clinical testing. Allele origin: germline.

Labcorp Genetics (formerly Invitae), Labcorp
Classification: Uncertain significance for Peutz-Jeghers syndrome. Last evaluated: 2023-10-07. Review status: criteria provided, single submitter. Criteria: Invitae Variant Classification Sherloc (09022015). Collection method: clinical testing. Allele origin: germline.
Comment: This sequence change replaces glycine, which is neutral and non-polar, with glutamic acid, which is acidic and polar, at codon 155 of the STK11 protein (p.Gly155Glu). This variant also falls at the last nucleotide of exon 3, which is part of the consensus splice site for this exon. This variant is not present in population databases (gnomAD no frequency). This variant has not been reported in the literature in individuals affected with STK11-related conditions. ClinVar contains an entry for this variant (Variation ID: 492532). An algorithm developed to predict the effect of missense changes on protein structure and function (PolyPhen-2) suggests that this variant is likely to be disruptive. Variants that disrupt the consensus splice site are a relatively common cause of aberrant splicing (PMID: 17576681, 9536098). Algorithms developed to predict the effect of sequence changes on RNA splicing suggest that this variant may disrupt the consensus splice site. In summary, the available evidence is currently insufficient to determine the role of this variant in disease. Therefore, it has been classified as a Variant of Uncertain Significance.

Color Diagnostics, LLC DBA Color Health
Classification: Uncertain significance for Hereditary cancer-predisposing syndrome. Last evaluated: 2023-07-06. Review status: criteria provided, single submitter. Criteria: ACMG Guidelines, 2015. Collection method: clinical testing. Allele origin: germline.
Comment: This variant causes a G to A nucleotide substitution at the last nucleotide of exon 3 of the STK11 gene and replaces glycine with glutamic acid at codon 155 of the STK11 protein. Splice site prediction tools suggest that this variant may impact RNA splicing, although this prediction has not been confirmed in published RNA studies. Computational prediction suggests that this variant may not impact protein structure and function (internally defined REVEL score threshold <= 0.5, PMID: 27666373). To our knowledge, functional studies have not been reported for this variant. This variant has not been reported in individuals affected with hereditary cancer in the literature. This variant has not been identified in the general population by the Genome Aggregation Database (gnomAD). The available evidence is insufficient to determine the role of this variant in disease conclusively. Therefore, this variant is classified as a Variant of Uncertain Significance.

Genome-Nilou Lab
Classification: Uncertain significance for Peutz-Jeghers syndrome. Last evaluated: 2021-07-15. Review status: criteria provided, single submitter. Criteria: ACMG Guidelines, 2015. Collection method: clinical testing. Allele origin: germline. Affected: no.

University of Washington Department of Laboratory Medicine, University of Washington
Classification: Likely benign for Peutz-Jeghers syndrome. Last evaluated: 2018-05-29. Review status: criteria provided, single submitter. Criteria: Tsai GJ et al. (Genet Med 2018). Collection method: research. Allele origin: germline. Inheritance: Autosomal dominant inheritance. Affected: no.
Comment: The STK11 variant designated as NM_000455.4:c.464G>A (p.Gly155Glu) is classified as likely benign. Computer software programs predict that this variant will create a stronger donor site, adding supporting evidence that this variant is benign. Additionally, in one observed family, this variant has been identified in two family members whose skin exams show no evidence of Peutz-Jeghers syndrome. Bayesian analysis integrating all of this data (Tavtigian et al, 2018) gives about 1% probability of pathogenicity, which is consistent with a classification of likely benign. This variant is not predicted to alter STK11 function or modify cancer risk. A modest (less than 2-fold) increase in cancer risk due to this variant cannot be excluded. This analysis was performed in conjunction with the family studies project as part of the University of Washington Find My Variant Study.

Literature cited by the submitters: PubMed 30374176 (cited by Ambry Genetics and Quest Diagnostics Nichols Institute San Juan Capistrano); PubMed 17576681 (cited by Labcorp Genetics (formerly Invitae), Labcorp); PubMed 9536098 (cited by Labcorp Genetics (formerly Invitae), Labcorp).